The following is an entry in ClinVar:

NM_001374736.1(DST):c.19634T>A (p.Leu6545Ter)

Gene: DST (dystonin; minus strand). Cytogenetic location: 6p12.1.
Variant type: single nucleotide variant.
Coding change: c.19634T>A on transcript NM_001374736.1 (MANE Select); coding-DNA position 19634, T replaced by A.
Protein change: p.Leu6545Ter; replaces leucine 6545 with a stop codon.
Molecular consequence: nonsense.
Genome position (GRCh38, 1-based): chr6:56,501,626, A>T on the plus strand (T>A on the coding strand, the complement: DST is on the minus strand). VCF-style: chr6-56501626-A-T. GRCh37 (hg19) VCF-style: chr6-56366424-A-T.
Other names: c.13277T>A, p.Leu4426Ter (NM_001144769.5); c.12863T>A, p.Leu4288Ter (NM_001144770.2); c.19634T>A, p.Leu6545Ter (NM_001374722.1); c.18674T>A, p.Leu6225Ter (NM_001374729.1); c.12416T>A, p.Leu4139Ter (NM_001374730.1); c.19661T>A, p.Leu6554Ter (NM_001374734.1); c.12743T>A, p.Leu4248Ter (NM_001386100.1, NM_183380.4); c.11765T>A, p.Leu3922Ter (NM_015548.5); short protein forms L4139*, L4248*, L4288*, L4426*, L6225*, L3922*, L6554*, L6545*.
Identifiers: ClinVar variation 4786737 (VCV004786737.1).
Genomic context (GRCh38, chr6:56,501,626, plus strand): 5'-AGTTCCATTAATGGGTCTTGAACAGTGTGTTTGTCACTCTCTTCTGTTACTTTCTTTAGC[A>T]AAAGCTCTGCTTGATGATTCAGTCTTTCCATTTCTATCTGCTGTTGATAGGCCTCAGACT-3'

ClinVar aggregate classification (germline): Pathogenic (1 of 4 stars; one submission).

Conditions:
Epidermolysis bullosa simplex 3, localized or generalized intermediate, with BP230 deficiency (EBS3). Also called: Epidermolysis bullosa simplex, autosomal recessive 2; Epidermolysis bullosa simplex due to BP230 deficiency. Identifiers: Orphanet 412181, MedGen C3809470, MONDO:0014180, OMIM 615425.
Hereditary sensory and autonomic neuropathy type 6. Also called: HSAN VI; Neuropathy, hereditary sensory and autonomic, type VI. Identifiers: Orphanet 314381, MedGen C3539003, MONDO:0013839, OMIM 614653.

Submission:

Labcorp Genetics (formerly Invitae), Labcorp
Classification: Pathogenic for Epidermolysis bullosa simplex 3, localized or generalized intermediate, with BP230 deficiency; Hereditary sensory and autonomic neuropathy type 6. Last evaluated: 2025-11-18. Review status: criteria provided, single submitter. Criteria: Invitae Variant Classification Sherloc (09022015). Collection method: clinical testing. Allele origin: germline.
Comment: The DST gene has multiple clinically relevant transcripts. This variant occurs in alternate transcript NM_015548.4, and corresponds to NM_001723.5:c.*113891T>A in the primary transcript. This sequence change creates a premature translational stop signal (p.Leu3922*) in the DST gene. It is expected to result in an absent or disrupted protein product. Loss-of-function variants in DST are known to be pathogenic (PMID: 22522446, 25059916, 30371979). This variant is not present in population databases (gnomAD no frequency). This variant has not been reported in the literature in individuals affected with DST-related conditions. For these reasons, this variant has been classified as Pathogenic.

Literature cited by the submitters: PubMed 22522446; PubMed 25059916; PubMed 30371979.